The following is an entry in ClinVar:

NM_000057.4(BLM):c.211T>A (p.Phe71Ile)

Gene: BLM (BLM RecQ like helicase; plus strand). Cytogenetic location: 15q26.1.
Variant type: single nucleotide variant.
Coding change: c.211T>A on transcript NM_000057.4 (MANE Select); coding-DNA position 211, T replaced by A.
Protein change: p.Phe71Ile; replaces phenylalanine 71 with isoleucine.
Molecular consequence: missense variant. On other transcripts: 5 prime UTR variant (1).
Genome position (GRCh38, 1-based): chr15:90,749,479, T>A. VCF-style: chr15-90749479-T-A. GRCh37 (hg19) VCF-style: chr15-91292709-T-A.
Other names: c.211T>A, p.Phe71Ile (NM_001287246.2, NM_001287247.2); c.-1081T>A (NM_001287248.2); short protein forms F71I.
Identifiers: ClinVar variation 1993505 (VCV001993505.5), dbSNP rs2151146855, ClinGen allele CA393839762.
Genomic context (GRCh38, chr15:90,749,479, plus strand): 5'-AATGTGTCAGTAGCAAAAACACCTGTATTAAGAAATAAAGATGTTAATGTTACCGAAGAC[T>A]TTTCCTTCAGTGAACCTCTACCCAACACCACAAATCAGCAAAGGGTCAAGGACTTCTTTA-3'
Protein context (NP_000048.1, residues 61-81): RNKDVNVTED[Phe71Ile]SFSEPLPNTT

ClinVar aggregate classification (germline): Uncertain significance. Review status: criteria provided, multiple submitters, no conflicts (2 of 4 stars). 2 submissions from 2 submitters: Uncertain significance (2). Last evaluated 2023-10-28.

Conditions:
Hereditary cancer-predisposing syndrome. Also called: Tumor predisposition; Hereditary Cancer Syndrome; Hereditary neoplastic syndrome; Neoplastic Syndromes, Hereditary. Identifiers: Orphanet 140162, MedGen C0027672, MeSH D009386, MONDO:0015356.
Bloom syndrome (BLM). Also called: Bloom-Torre-Machacek syndrome. Identifiers: Orphanet 125, MedGen C0005859, MONDO:0008876, OMIM 210900.

Submissions (2):

Ambry Genetics
Classification: Uncertain significance for Hereditary cancer-predisposing syndrome. Last evaluated: 2023-10-28. Review status: criteria provided, single submitter. Criteria: Ambry Variant Classification Scheme 2023. Collection method: clinical testing. Allele origin: germline.
Comment: The p.F71I variant (also known as c.211T>A), located in coding exon 2 of the BLM gene, results from a T to A substitution at nucleotide position 211. The phenylalanine at codon 71 is replaced by isoleucine, an amino acid with highly similar properties. This amino acid position is conserved. In addition, this alteration is predicted to be tolerated by in silico analysis. Since supporting evidence is limited at this time, the clinical significance of this alteration remains unclear.

Labcorp Genetics (formerly Invitae), Labcorp
Classification: Uncertain significance for Bloom syndrome. Last evaluated: 2022-05-12. Review status: criteria provided, single submitter. Criteria: Invitae Variant Classification Sherloc (09022015). Collection method: clinical testing. Allele origin: germline.
Comment: In summary, the available evidence is currently insufficient to determine the role of this variant in disease. Therefore, it has been classified as a Variant of Uncertain Significance. Algorithms developed to predict the effect of missense changes on protein structure and function (SIFT, PolyPhen-2, Align-GVGD) all suggest that this variant is likely to be tolerated. This variant has not been reported in the literature in individuals affected with BLM-related conditions. This variant is not present in population databases (gnomAD no frequency). This sequence change replaces phenylalanine, which is neutral and non-polar, with isoleucine, which is neutral and non-polar, at codon 71 of the BLM protein (p.Phe71Ile).